The following is an entry in ClinVar:

ClinVar aggregate classification (germline): Uncertain significance (1 of 4 stars; one submission).

Conditions:
Progressive sclerosing poliodystrophy (MTDPS4A). Also called: Mitochondrial DNA depletion syndrome 4A (Alpers type); Mitochondrial DNA Depletion Syndrome 4A; Alpers Syndrome; ALPERS DIFFUSE DEGENERATION OF CEREBRAL GRAY MATTER WITH HEPATIC CIRRHOSIS; Alpers-Huttenlocher Syndrome; ALPERS PROGRESSIVE INFANTILE POLIODYSTROPHY. Identifiers: Orphanet 726, MedGen C0205710, MONDO:0008758, OMIM 203700.

Submission:

Labcorp Genetics (formerly Invitae), Labcorp
Classification: Uncertain significance for Progressive sclerosing poliodystrophy. Last evaluated: 2018-05-30. Review status: criteria provided, single submitter. Criteria: Invitae Variant Classification Sherloc (09022015). Collection method: clinical testing. Allele origin: germline.
Comment: In summary, the available evidence is currently insufficient to determine the role of this variant in disease. Therefore, it has been classified as a Variant of Uncertain Significance. Experimental studies and prediction algorithms are not available for this variant, and the functional significance of the disrupted amino acids is currently unknown. This variant has not been reported in the literature in individuals with POLG-related disease. This variant is not present in population databases (ExAC no frequency). This variant, c.134_137delinsG, results in the deletion of 2 amino acids and the insertion of 1 amino acid to the POLG protein (p.Gln45_Gln46delinsArg), but otherwise preserves the integrity of the reading frame.

NM_002693.3(POLG):c.134_137delinsG (p.Gln45_Gln46delinsArg)

Genes: POLG (DNA polymerase gamma, catalytic subunit; minus strand), POLGARF (POLG alternative reading frame; minus strand). Cytogenetic location: 15q26.1.
Variant type: Indel.
Coding change: c.134_137delinsG on transcript NM_002693.3 (MANE Select); coding-DNA positions 134 to 137, AGCA replaced by G.
Protein change: p.Gln45_Gln46delinsArg.
Molecular consequence: inframe indel.
Genome position (GRCh38, 1-based): chr15:89,333,618-89,333,621, TGCT replaced by C on the plus strand (AGCA replaced by G on the coding strand, the reverse complement: POLG is on the minus strand). VCF-style: chr15-89333618-TGCT-C. GRCh37 (hg19) VCF-style: chr15-89876849-TGCT-C.
Other names: c.134_137delinsG, p.Gln45_Gln46delinsArg (NM_001126131.2).
Identifiers: ClinVar variation 580549 (VCV000580549.6), dbSNP rs1567194455, ClinGen allele CA891843855.